The following is an entry in ClinVar:

NM_003366.4(UQCRC2):c.164A>C (p.Tyr55Ser)

Gene: UQCRC2 (ubiquinol-cytochrome c reductase core protein 2). Cytogenetic location: 16p12.2.
Variant type: single nucleotide variant.
Coding change: c.164A>C on transcript NM_003366.4 (MANE Select); coding-DNA position 164, A replaced by C.
Protein change: p.Tyr55Ser; replaces tyrosine 55 with serine.
Molecular consequence: missense variant.
Genome position (GRCh38, 1-based): chr16:21,957,463, A>C. VCF-style: chr16-21957463-A-C. GRCh37 (hg19) VCF-style: chr16-21968784-A-C.
Other names: short protein forms Y55S.
Identifiers: ClinVar variation 1938386 (VCV001938386.5), dbSNP rs776376969, ClinGen allele CA7953657.

ClinVar aggregate classification (germline): Uncertain significance (1 of 4 stars; one submission).

gnomAD v4.1: 13 of 1,614,168 alleles (0.00081%); highest among the groups gnomAD compares: Admixed American, 0.0033%; no homozygotes.

Submission:

Labcorp Genetics (formerly Invitae), Labcorp
Classification: Uncertain significance. Last evaluated: 2022-03-24. Review status: criteria provided, single submitter. Criteria: Invitae Variant Classification Sherloc (09022015). Collection method: clinical testing. Allele origin: germline.
Comment: Algorithms developed to predict the effect of missense changes on protein structure and function (SIFT, PolyPhen-2, Align-GVGD) all suggest that this variant is likely to be tolerated. In summary, the available evidence is currently insufficient to determine the role of this variant in disease. Therefore, it has been classified as a Variant of Uncertain Significance. This variant has not been reported in the literature in individuals affected with UQCRC2-related conditions. This variant is present in population databases (rs776376969, gnomAD 0.003%). This sequence change replaces tyrosine, which is neutral and polar, with serine, which is neutral and polar, at codon 55 of the UQCRC2 protein (p.Tyr55Ser).